The following is an entry in ClinVar:

NM_004415.4(DSP):c.4259C>T (p.Thr1420Ile)

Gene: DSP (desmoplakin; plus strand). Cytogenetic location: 6p24.3.
Variant type: single nucleotide variant.
Coding change: c.4259C>T on transcript NM_004415.4 (MANE Select); coding-DNA position 4259, C replaced by T.
Protein change: p.Thr1420Ile; replaces threonine 1420 with isoleucine.
Molecular consequence: missense variant. On other transcripts: intron variant (2).
Genome position (GRCh38, 1-based): chr6:7,580,449, C>T. VCF-style: chr6-7580449-C-T. GRCh37 (hg19) VCF-style: chr6-7580682-C-T.
Other names: c.4050+209C>T (NM_001319034.2); c.3582+677C>T (NM_001008844.3); short protein forms T1420I.
Identifiers: ClinVar variation 2775305 (VCV002775305.2), dbSNP rs2533928025, ClinGen allele CA362685906.

ClinVar aggregate classification (germline): Uncertain significance (1 of 4 stars; one submission).

Conditions:
Cardiomyopathy (CMYO). Also called: Cardiomyopathies. Identifiers: Orphanet 167848, MedGen C0878544, MONDO:0004994, HP:0001638. Inheritance: Various modes of inheritance.

Submission:

Color Diagnostics, LLC DBA Color Health
Classification: Uncertain significance for Cardiomyopathy. Last evaluated: 2022-03-24. Review status: criteria provided, single submitter. Criteria: ACMG Guidelines, 2015. Collection method: clinical testing. Allele origin: germline.
Comment: This missense variant replaces threonine with isoleucine at codon 1420 of the DSP protein. Computational prediction suggests that this variant may not impact protein structure and function (internally defined REVEL score threshold <= 0.5, PMID: 27666373). To our knowledge, functional studies have not been reported for this variant. This variant has not been reported in individuals affected with cardiovascular disorders in the literature. This variant has not been identified in the general population by the Genome Aggregation Database (gnomAD). The available evidence is insufficient to determine the role of this variant in disease conclusively. Therefore, this variant is classified as a Variant of Uncertain Significance.